The following is an entry in ClinVar:

NM_001103.4(ACTN2):c.698-11_698-10delinsAA

Gene: ACTN2 (actinin alpha 2; plus strand). Cytogenetic location: 1q43.
Variant type: Indel.
Coding change: c.698-11_698-10delinsAA on transcript NM_001103.4 (MANE Select); 11 bases into the intron before coding-DNA position 698 through 10 bases into the intron before coding-DNA position 698, TC replaced by AA.
Molecular consequence: intron variant.
Genome position (GRCh38, 1-based): chr1:236,735,624-236,735,625, TC replaced by AA. VCF-style: chr1-236735624-TC-AA. GRCh37 (hg19) VCF-style: chr1-236898924-TC-AA.
Other names: c.-38-11_-38-10delinsAA (NM_001278344.2); c.783+1106_783+1107delinsAA (NM_001278343.2).
Identifiers: ClinVar variation 2193960 (VCV002193960.4), dbSNP rs2527586822, ClinGen allele CA2580062355.

ClinVar aggregate classification (germline): Uncertain significance (1 of 4 stars; one submission).

Conditions:
Dilated cardiomyopathy 1AA (CMD1AA). Also called: Cardiomyopathy, dilated, 1AA, with or without LVNC; CARDIOMYOPATHY, FAMILIAL HYPERTROPHIC, 23, WITH OR WITHOUT LEFT VENTRICULAR NONCOMPACTION; CARDIOMYOPATHY, DILATED, 1AA, WITH OR WITHOUT LEFT VENTRICULAR NONCOMPACTION. Identifiers: Orphanet 154, MedGen C2677338, MONDO:0012808, OMIM 612158.
Primary familial hypertrophic cardiomyopathy (HCM). Identifiers: Orphanet 99739, MedGen C0949658, MeSH D024741, MONDO:0024573. Inheritance: Various modes of inheritance.

Submission:

Labcorp Genetics (formerly Invitae), Labcorp
Classification: Uncertain significance for Primary familial hypertrophic cardiomyopathy; Dilated cardiomyopathy 1AA. Last evaluated: 2025-06-10. Review status: criteria provided, single submitter. Criteria: Invitae Variant Classification Sherloc (09022015). Collection method: clinical testing. Allele origin: germline.
Comment: This sequence change falls in intron 7 of the ACTN2 gene. It does not directly change the encoded amino acid sequence of the ACTN2 protein. Information on the frequency of this variant in the gnomAD database is not available, as this variant may be reported differently in the database. This variant has not been reported in the literature in individuals affected with ACTN2-related conditions. ClinVar contains an entry for this variant (Variation ID: 2193960). Experimental studies and prediction algorithms are not available or were not evaluated, and the effect of this variant on mRNA splicing is currently unknown. In summary, the available evidence is currently insufficient to determine the role of this variant in disease. Therefore, it has been classified as a Variant of Uncertain Significance.